The following is an entry in ClinVar:

NM_001376013.1(EPB41):c.2496G>A (p.Gln832=)

Gene: EPB41 (erythrocyte membrane protein band 4.1; plus strand). Cytogenetic location: 1p35.3.
Variant type: single nucleotide variant.
Coding change: c.2496G>A on transcript NM_001376013.1 (MANE Select); coding-DNA position 2496, G replaced by A.
Protein change: p.Gln832=; no amino-acid change (glutamine 832 retained).
Molecular consequence: synonymous variant.
Genome position (GRCh38, 1-based): chr1:29,112,448, G>A. VCF-style: chr1-29112448-G-A. GRCh37 (hg19) VCF-style: chr1-29438960-G-A.
Other names: c.2496G>A, p.Gln832= (NM_001166005.2); c.1707G>A, p.Gln569= (NM_001166007.2); c.2427G>A, p.Gln809= (NM_001376014.1); c.2391G>A, p.Gln797= (NM_001376015.1); c.1869G>A, p.Gln623= (NM_001376022.1); c.1668G>A, p.Gln556= (NM_004437.4); c.1827G>A, p.Gln609= (NM_203342.3); c.2229G>A, p.Gln743= (NM_203343.3).
Identifiers: ClinVar variation 4822495 (VCV004822495.4).

ClinVar aggregate classification (germline): Uncertain significance (1 of 4 stars; one submission).

Submission:

CeGaT Center for Human Genetics Tuebingen
Classification: Uncertain significance. Last evaluated: 2026-02-01. Review status: criteria provided, single submitter. Criteria: CeGaT Center For Human Genetics Tuebingen Variant Classification Criteria Version 2. Collection method: clinical testing. Allele origin: germline. Affected: yes. Observed: 1 variant allele.
Comment: EPB41: PM2:Supporting, PP3